The following is an entry in ClinVar:

NM_000478.6(ALPL):c.1240C>G (p.Leu414Val)

Gene: ALPL (alkaline phosphatase, biomineralization associated; plus strand). Cytogenetic location: 1p36.12.
Variant type: single nucleotide variant.
Coding change: c.1240C>G on transcript NM_000478.6 (MANE Select); coding-DNA position 1240, C replaced by G.
Protein change: p.Leu414Val; replaces leucine 414 with valine.
Molecular consequence: missense variant.
Genome position (GRCh38, 1-based): chr1:21,576,572, C>G. VCF-style: chr1-21576572-C-G. GRCh37 (hg19) VCF-style: chr1-21903065-C-G.
Other names: c.1075C>G, p.Leu359Val (NM_001127501.4); c.1009C>G, p.Leu337Val (NM_001177520.3); c.1240C>G, p.Leu414Val (NM_001369803.2, NM_001369804.2, NM_001369805.2); short protein forms L359V, L337V, L414V.
Identifiers: ClinVar variation 2111543 (VCV002111543.4), dbSNP rs2148192444, ClinGen allele CA338881761.
Genomic context (GRCh38, chr1:21,576,572, plus strand): 5'-CCCTGTGCAGGTCTGGCCCCCATGCTGAGTGACACAGACAAGAAGCCCTTCACTGCCATC[C>G]TGTATGGCAATGGGCCTGGCTACAAGGTGGTGGGCGGTGAACGAGAGAATGTCTCCATGG-3'
Protein context (NP_000469.3, residues 404-424): DTDKKPFTAI[Leu414Val]YGNGPGYKVV

ClinVar aggregate classification (germline): Likely pathogenic. Review status: criteria provided, multiple submitters, no conflicts (2 of 4 stars). 2 submissions from 2 submitters: Likely pathogenic (2). Last evaluated 2025-11-04.

Conditions:
Semidominant ALPL-related disorders.

Submissions (2):

Variantyx, Inc.
Classification: Likely pathogenic for Semidominant ALPL-related disorders. Last evaluated: 2025-11-04. Review status: criteria provided, single submitter. Criteria: Variantyx Assertion Criteria 2022. Collection method: clinical testing. Allele origin: de novo. Inheritance: Semidominant inheritance.
Comment: This is nonsynonymous variant in the ALPL gene (OMIM: 171760). Pathogenic variants in this gene have been associated with autosomal semidominant ALPL-related disorders. An alternate amino acid change at this position (p.Leu414Met) has been previously reported in affected individuals (PMID: 25731960) (PM5). Multiple computational algorithms predict a deleterious effect for this substitution (PP3). This variant is absent from control populations (PM2_Supporting). This variant has not been reported in individuals with ALPL-related disorders in the databases available for review. Based on the current evidence, this variant is classified as likely pathogenic for autosomal semidominant ALPL-related disorders.

Labcorp Genetics (formerly Invitae), Labcorp
Classification: Likely pathogenic. Last evaluated: 2022-03-14. Review status: criteria provided, single submitter. Criteria: Invitae Variant Classification Sherloc (09022015). Collection method: clinical testing. Allele origin: germline.
Comment: This variant disrupts the p.Leu414 amino acid residue in ALPL. Other variant(s) that disrupt this residue have been determined to be pathogenic (PMID: 11855933, 12920074, 19500388, 25731960). This suggests that this residue is clinically significant, and that variants that disrupt this residue are likely to be disease-causing. Advanced modeling of protein sequence and biophysical properties (such as structural, functional, and spatial information, amino acid conservation, physicochemical variation, residue mobility, and thermodynamic stability) performed at Invitae indicates that this missense variant is expected to disrupt ALPL protein function. This variant has not been reported in the literature in individuals affected with ALPL-related conditions. This variant is not present in population databases (gnomAD no frequency). This sequence change replaces leucine, which is neutral and non-polar, with valine, which is neutral and non-polar, at codon 414 of the ALPL protein (p.Leu414Val). In summary, the currently available evidence indicates that the variant is pathogenic, but additional data are needed to prove that conclusively. Therefore, this variant has been classified as Likely Pathogenic.

Literature cited by the submitters: PubMed 25731960 (cited by Variantyx, Inc. and Labcorp Genetics (formerly Invitae), Labcorp); PubMed 11855933 (cited by Labcorp Genetics (formerly Invitae), Labcorp); PubMed 12920074 (cited by Labcorp Genetics (formerly Invitae), Labcorp); PubMed 19500388 (cited by Labcorp Genetics (formerly Invitae), Labcorp).